The following is an entry in ClinVar:

ClinVar aggregate classification (germline): Uncertain significance (1 of 4 stars; one submission).

gnomAD v4.1: 1 of 1,614,228 alleles (0.000062%); highest among the groups gnomAD compares: South Asian, 0.0011%; no homozygotes.

Submission:

GeneDx
Classification: Uncertain significance. Last evaluated: 2023-05-22. Review status: criteria provided, single submitter. Criteria: GeneDx Variant Classification Process June 2021. Collection method: clinical testing. Allele origin: germline. Affected: yes.
Comment: Not observed at significant frequency in large population cohorts (gnomAD); In silico analysis supports that this missense variant does not alter protein structure/function; Has not been previously published as pathogenic or benign to our knowledge

NM_022455.5(NSD1):c.484G>A (p.Ala162Thr)

Gene: NSD1 (nuclear receptor binding SET domain protein 1; plus strand). Cytogenetic location: 5q35.3.
Variant type: single nucleotide variant.
Coding change: c.484G>A on transcript NM_022455.5 (MANE Select); coding-DNA position 484, G replaced by A.
Protein change: p.Ala162Thr; replaces alanine 162 with threonine.
Molecular consequence: missense variant. On other transcripts: intron variant (8).
Genome position (GRCh38, 1-based): chr5:177,135,587, G>A. VCF-style: chr5-177135587-G-A. GRCh37 (hg19) VCF-style: chr5-176562588-G-A.
Other names: c.484G>A, p.Ala162Thr (NM_001409301.1, NM_001409302.1, NM_001409303.1); c.417+67G>A (NM_001409304.1); c.-36-354G>A (NM_001409305.1, NM_001409306.1, NM_001409308.1 and 4 more transcripts); short protein forms A162T.
Identifiers: ClinVar variation 3343593 (VCV003343593.1).